The following is an entry in ClinVar:

ClinVar aggregate classification (germline): Uncertain significance (1 of 4 stars; one submission).

gnomAD v4.1: 4 of 1,613,892 alleles (0.00025%); highest among the groups gnomAD compares: East Asian, 0.0022%; no homozygotes.

Submission:

Labcorp Genetics (formerly Invitae), Labcorp
Classification: Uncertain significance. Last evaluated: 2026-01-14. Review status: criteria provided, single submitter. Criteria: Invitae Variant Classification Sherloc (09022015). Collection method: clinical testing. Allele origin: germline.
Comment: This sequence change replaces threonine, which is neutral and polar, with serine, which is neutral and polar, at codon 1731 of the FOCAD protein (p.Thr1731Ser). This variant is not present in population databases (gnomAD no frequency). This variant has not been reported in the literature in individuals affected with FOCAD-related conditions. Experimental studies and prediction algorithms are not available or were not evaluated, and the functional significance of this variant is currently unknown. In summary, the available evidence is currently insufficient to determine the role of this variant in disease. Therefore, it has been classified as a Variant of Uncertain Significance.

NM_001375567.1(FOCAD):c.5192C>G (p.Thr1731Ser)

Gene: FOCAD (focadhesin; plus strand). Cytogenetic location: 9p21.3.
Variant type: single nucleotide variant.
Coding change: c.5192C>G on transcript NM_001375567.1 (MANE Select); coding-DNA position 5192, C replaced by G.
Protein change: p.Thr1731Ser; replaces threonine 1731 with serine.
Molecular consequence: missense variant.
Genome position (GRCh38, 1-based): chr9:20,990,310, C>G. VCF-style: chr9-20990310-C-G. GRCh37 (hg19) VCF-style: chr9-20990309-C-G.
Other names: c.5087C>G, p.Thr1696Ser (NM_001375568.1, NM_001375570.1); c.5192C>G, p.Thr1731Ser (NM_017794.5); short protein forms T1696S, T1731S.
Identifiers: ClinVar variation 4799270 (VCV004799270.1).